The following is an entry in ClinVar:

ClinVar aggregate classification (germline): Uncertain significance (1 of 4 stars; one submission).

Submission:

CeGaT Center for Human Genetics Tuebingen
Classification: Uncertain significance. Last evaluated: 2025-07-01. Review status: criteria provided, single submitter. Criteria: CeGaT Center For Human Genetics Tuebingen Variant Classification Criteria Version 2. Collection method: clinical testing. Allele origin: germline. Affected: yes. Observed: 1 variant allele.
Comment: CNTNAP2: PM2

NM_014141.6(CNTNAP2):c.1473A>C (p.Lys491Asn)

Gene: CNTNAP2 (contactin associated protein 2; plus strand). Cytogenetic location: 7q35.
Variant type: single nucleotide variant.
Coding change: c.1473A>C on transcript NM_014141.6 (MANE Select); coding-DNA position 1473, A replaced by C.
Protein change: p.Lys491Asn; replaces lysine 491 with asparagine.
Molecular consequence: missense variant.
Genome position (GRCh38, 1-based): chr7:147,300,265, A>C. VCF-style: chr7-147300265-A-C. GRCh37 (hg19) VCF-style: chr7-146997357-A-C.
Other names: short protein forms K491N.
Identifiers: ClinVar variation 4085277 (VCV004085277.8).